The following is an entry in ClinVar:

NM_020458.4(TTC7A):c.413G>C (p.Arg138Pro)

Gene: TTC7A (tetratricopeptide repeat domain 7A; plus strand). Cytogenetic location: 2p21.
Variant type: single nucleotide variant.
Coding change: c.413G>C on transcript NM_020458.4 (MANE Select); coding-DNA position 413, G replaced by C.
Protein change: p.Arg138Pro; replaces arginine 138 with proline.
Molecular consequence: missense variant. On other transcripts: 5 prime UTR variant (1).
Genome position (GRCh38, 1-based): chr2:46,956,903, G>C. VCF-style: chr2-46956903-G-C. GRCh37 (hg19) VCF-style: chr2-47184042-G-C.
Other names: c.413G>C, p.Arg138Pro (NM_001288951.2); c.311G>C, p.Arg104Pro (NM_001288953.2); c.-492G>C (NM_001288955.2); c.413G>C (NM_020458.2); short protein forms R104P, R138P.
Identifiers: ClinVar variation 2202188 (VCV002202188.4), dbSNP rs541501653, ClinGen allele CA1647149.

ClinVar aggregate classification (germline): Uncertain significance. Review status: criteria provided, multiple submitters, no conflicts (2 of 4 stars). 2 submissions from 2 submitters: Uncertain significance (2). Last evaluated 2023-12-20.

Conditions:
Multiple gastrointestinal atresias. Also called: FAMILIAL INTESTINAL POLYATRESIA SYNDROME; Multiple intestinal atresia. Identifiers: Orphanet 2300, MedGen C0220744, MONDO:0009465.
Inborn genetic diseases. Identifiers: MedGen C0950123, MeSH D030342.

Allele frequency attached by ClinVar (database versions not stated): 1000 Genomes Project 0.00020; 1000 Genomes Project 30x 0.00062.
gnomAD v4.1: 75 of 1,614,210 alleles (0.0046%); highest among the groups gnomAD compares: South Asian, 0.076%; 1 homozygote.

Submissions (2):

Ambry Genetics
Classification: Uncertain significance for Inborn genetic diseases. Last evaluated: 2023-12-20. Review status: criteria provided, single submitter. Criteria: Ambry Variant Classification Scheme 2023. Collection method: clinical testing. Allele origin: germline.

Labcorp Genetics (formerly Invitae), Labcorp
Classification: Uncertain significance for Multiple gastrointestinal atresias. Last evaluated: 2022-11-08. Review status: criteria provided, single submitter. Criteria: Invitae Variant Classification Sherloc (09022015). Collection method: clinical testing. Allele origin: germline.
Comment: This sequence change replaces arginine, which is basic and polar, with proline, which is neutral and non-polar, at codon 138 of the TTC7A protein (p.Arg138Pro). This variant is present in population databases (rs541501653, gnomAD 0.08%). This variant has not been reported in the literature in individuals affected with TTC7A-related conditions. Advanced modeling of protein sequence and biophysical properties (such as structural, functional, and spatial information, amino acid conservation, physicochemical variation, residue mobility, and thermodynamic stability) performed at Invitae indicates that this missense variant is expected to disrupt TTC7A protein function. In summary, the available evidence is currently insufficient to determine the role of this variant in disease. Therefore, it has been classified as a Variant of Uncertain Significance.